The following is an entry in ClinVar:

ClinVar aggregate classification (germline): Uncertain significance (1 of 4 stars; one submission).

Conditions:
Arrhythmogenic right ventricular cardiomyopathy (ARVD). Also called: Arrhythmogenic right ventricular dysplasia; Cardiomyopathy, ARVC; Arrhythmogenic cardiomyopathy; Arrhythmogenic Right Ventricular Cardiomyopathy (ARVC). Identifiers: Orphanet 247, MedGen C0349788, MeSH D019571, MONDO:0016587. Disease mechanism: loss of function. Inheritance: Various modes of inheritance.

gnomAD v4.1: 4 of 1,258,544 alleles (0.00032%); highest among the groups gnomAD compares: Non-Finnish European, 0.0004%; no homozygotes.

Submission:

All of Us Research Program, National Institutes of Health
Classification: Uncertain significance for Arrhythmogenic right ventricular cardiomyopathy. Last evaluated: 2023-05-16. Review status: criteria provided, single submitter. Criteria: ACMG Guidelines, 2015. Collection method: clinical testing. Allele origin: germline. Inheritance: Autosomal dominant inheritance. Observed: 1 variant allele, 1 heterozygote.
Comment: This variant occurs in the 5' untranslated region of the DSG2 gene, 1 bp upstream of the translational start codon (ATG). Computational prediction tools and conservation analyses suggest that this variant may not impact translation or protein function. To our knowledge, functional assays have not been performed for this variant. This variant has not been reported in individuals affected with DSG2-related disorders in the literature. This variant has not been identified in the general population by the Genome Aggregation Database (gnomAD). The available evidence is insufficient to determine the role of this variant in disease conclusively. Therefore, this variant is classified as a Variant of Uncertain Significance.

This study involves interpretation of variants in research participants for the purpose of population health screening. Participant phenotype was not available at the time of variant classification. Additional details can be found in publication PMID: 35346344, PMCID: PMC8962531

NM_001943.5(DSG2):c.-1G>A

Genes: DSG2 (desmoglein 2; plus strand), LOC130062340 (ATAC-STARR-seq lymphoblastoid silent region 9384; plus strand). Cytogenetic location: 18q12.1.
Variant type: single nucleotide variant.
Coding change: c.-1G>A on transcript NM_001943.5 (MANE Select); 1 bases upstream of the start codon, G replaced by A.
Molecular consequence: 5 prime UTR variant.
Genome position (GRCh38, 1-based): chr18:31,498,251, G>A. VCF-style: chr18-31498251-G-A. GRCh37 (hg19) VCF-style: chr18-29078214-G-A.
Identifiers: ClinVar variation 3071043 (VCV003071043.1), dbSNP rs1012160082, ClinGen allele CA2576480319.